The following is an entry in ClinVar:

NM_005633.4(SOS1):c.2973T>G (p.Phe991Leu)

Gene: SOS1 (SOS Ras/Rac guanine nucleotide exchange factor 1; minus strand). Cytogenetic location: 2p22.1.
Variant type: single nucleotide variant.
Coding change: c.2973T>G on transcript NM_005633.4 (MANE Select); coding-DNA position 2973, T replaced by G.
Protein change: p.Phe991Leu; replaces phenylalanine 991 with leucine.
Molecular consequence: missense variant.
Genome position (GRCh38, 1-based): chr2:38,997,030, A>C on the plus strand (T>G on the coding strand, the complement: SOS1 is on the minus strand). VCF-style: chr2-38997030-A-C. GRCh37 (hg19) VCF-style: chr2-39224171-A-C.
Other names: c.2952T>G, p.Phe984Leu (NM_001382394.1); c.2973T>G, p.Phe991Leu (NM_001382395.1); short protein forms F991L, F984L.
Identifiers: ClinVar variation 2047484 (VCV002047484.5), dbSNP rs751274973, ClinGen allele CA1624284.

ClinVar aggregate classification (germline): Conflicting classifications of pathogenicity. Review status: criteria provided, conflicting classifications (1 of 4 stars). 2 submissions from 2 submitters: Uncertain significance (1); Likely benign (1). Last evaluated 2025-10-20.

Conditions:
RASopathy. Also called: rasopathies; Noonan spectrum disorder. Identifiers: Orphanet 536391, MedGen C5555857, MONDO:0021060.
Noonan syndrome 4 (NS4). Also called: NOONAN SYNDROME WITH PIGMENTED VILLONODULAR SYNOVITIS; SOS1-Related Noonan Syndrome. Identifiers: Orphanet 648, MedGen C1853120, MONDO:0012547, OMIM 610733.

Allele frequency attached by ClinVar (database versions not stated): ExAC 0.00001; gnomAD exomes 0.00001.
gnomAD v4.1: 8 of 1,532,606 alleles (0.00052%); highest among the groups gnomAD compares: Non-Finnish European, 0.00072%; no homozygotes.

Submissions (2):

Labcorp Genetics (formerly Invitae), Labcorp
Classification: Likely benign for RASopathy. Last evaluated: 2025-10-20. Review status: criteria provided, single submitter. Criteria: Invitae Variant Classification Sherloc (09022015). Collection method: clinical testing. Allele origin: germline.

St. Jude Molecular Pathology, St. Jude Children's Research Hospital
Classification: Uncertain significance for Noonan syndrome 4. Last evaluated: 2023-05-03. Review status: criteria provided, single submitter. Criteria: St. Jude Assertion Criteria 2020. Collection method: clinical testing. Allele origin: germline.
Comment: The SOS1 c.2973T>G (p.Phe991Leu) missense change has a maximum subpopulation frequency of 0.0009% in gnomAD v2.1.1. The in silico tool REVEL predicts a benign effect on protein function, but to our knowledge this prediction has not been confirmed by functional studies. To our knowledge, this variant has not been reported in individuals with Noonan syndrome. In summary, the evidence currently available is insufficient to determine the clinical significance of this variant. It has therefore been classified as of uncertain significance.